The following is an entry in ClinVar:

NM_006506.5(RASA2):c.635T>C (p.Val212Ala)

Gene: RASA2 (RAS p21 protein activator 2; plus strand). Cytogenetic location: 3q23.
Variant type: single nucleotide variant.
Coding change: c.635T>C on transcript NM_006506.5 (MANE Select); coding-DNA position 635, T replaced by C.
Protein change: p.Val212Ala; replaces valine 212 with alanine.
Molecular consequence: missense variant.
Genome position (GRCh38, 1-based): chr3:141,555,863, T>C. VCF-style: chr3-141555863-T-C. GRCh37 (hg19) VCF-style: chr3-141274705-T-C.
Other names: c.635T>C, p.Val212Ala (NM_001303245.3, NM_001303246.3); short protein forms V212A.
Identifiers: ClinVar variation 1753056 (VCV001753056.2), dbSNP rs1042364275, ClinGen allele CA354772649.

ClinVar aggregate classification (germline): Uncertain significance (1 of 4 stars; one submission).

Submission:

Ambry Genetics
Classification: Uncertain significance. Last evaluated: 2022-10-02. Review status: criteria provided, single submitter. Criteria: Ambry Variant Classification Scheme 2023. Collection method: clinical testing. Allele origin: germline.
Comment: The p.V212A variant (also known as c.635T>C), located in coding exon 7 of the RASA2 gene, results from a T to C substitution at nucleotide position 635. The valine at codon 212 is replaced by alanine, an amino acid with similar properties. This amino acid position is conserved. In addition, the in silico prediction for this alteration is inconclusive. Since supporting evidence is limited at this time, the clinical significance of this alteration remains unclear.